The following is an entry in ClinVar:

ClinVar aggregate classification (germline): Likely benign. Review status: criteria provided, multiple submitters, no conflicts (2 of 4 stars). 3 submissions from 3 submitters: Likely benign (3). Last evaluated 2025-03-19.

Conditions:
ELOVL4-related disorder. Also called: ELOVL4-related condition; ELOVL4-related disorders.

Allele frequency attached by ClinVar (database versions not stated): gnomAD exomes 0.00001; ExAC 0.00002; gnomAD 0.00003; TOPMed 0.00003.
gnomAD v4.1: 29 of 1,613,382 alleles (0.0018%); highest among the groups gnomAD compares: Admixed American, 0.027%; 1 homozygote.

Submissions (3):

PreventionGenetics, part of Exact Sciences
Classification: Likely benign for ELOVL4-related condition. Last evaluated: 2025-03-19. Review status: criteria provided, single submitter. Criteria: ACMG Guidelines, 2015. Collection method: clinical testing. Allele origin: germline.
Comment: This variant is classified as likely benign based on ACMG/AMP sequence variant interpretation guidelines (Richards et al. 2015 PMID: 25741868, with internal and published modifications).

Labcorp Genetics (formerly Invitae), Labcorp
Classification: Likely benign. Last evaluated: 2024-05-29. Review status: criteria provided, single submitter. Criteria: Invitae Variant Classification Sherloc (09022015). Collection method: clinical testing. Allele origin: germline.

Blueprint Genetics
Classification: Likely benign. Last evaluated: 2023-07-20. Review status: criteria provided, single submitter. Criteria: ACMG Guidelines, 2015. Collection method: clinical testing. Allele origin: germline.

NM_022726.4(ELOVL4):c.273C>G (p.Leu91=)

Gene: ELOVL4 (ELOVL fatty acid elongase 4; minus strand). Cytogenetic location: 6q14.1.
Variant type: single nucleotide variant.
Coding change: c.273C>G on transcript NM_022726.4 (MANE Select); coding-DNA position 273, C replaced by G.
Protein change: p.Leu91=; no amino-acid change (leucine 91 retained).
Molecular consequence: synonymous variant.
Genome position (GRCh38, 1-based): chr6:79,926,209, G>C on the plus strand (C>G on the coding strand, the complement: ELOVL4 is on the minus strand). VCF-style: chr6-79926209-G-C. GRCh37 (hg19) VCF-style: chr6-80635926-G-C.
Other names: c.273C>G (NM_022726.3).
Identifiers: ClinVar variation 1575877 (VCV001575877.10), dbSNP rs762598733, ClinGen allele CA3901583.